The following is an entry in ClinVar:

ClinVar aggregate classification (germline): Uncertain significance (1 of 4 stars; one submission).

Conditions:
Familial temporal lobe epilepsy 7. Identifiers: Orphanet 101046, MedGen C4225327, MONDO:0014639, OMIM 616436.
Norman-Roberts syndrome (LIS2). Also called: Lissencephaly 2 (Norman-Roberts type). Identifiers: Orphanet 89844, MedGen C0796089, MONDO:0009760, OMIM 257320.

gnomAD v4.1: 6 of 1,592,266 alleles (0.00038%); highest among the groups gnomAD compares: Non-Finnish European, 0.00052%; no homozygotes.

Submission:

Labcorp Genetics (formerly Invitae), Labcorp
Classification: Uncertain significance for Familial temporal lobe epilepsy 7; Norman-Roberts syndrome. Last evaluated: 2023-08-07. Review status: criteria provided, single submitter. Criteria: Invitae Variant Classification Sherloc (09022015). Collection method: clinical testing. Allele origin: germline.
Comment: This variant is not present in population databases (gnomAD no frequency). This sequence change replaces isoleucine, which is neutral and non-polar, with valine, which is neutral and non-polar, at codon 1307 of the RELN protein (p.Ile1307Val). This variant has not been reported in the literature in individuals affected with RELN-related conditions. ClinVar contains an entry for this variant (Variation ID: 1900120). Advanced modeling of protein sequence and biophysical properties (such as structural, functional, and spatial information, amino acid conservation, physicochemical variation, residue mobility, and thermodynamic stability) performed at Invitae indicates that this missense variant is not expected to disrupt RELN protein function. In summary, the available evidence is currently insufficient to determine the role of this variant in disease. Therefore, it has been classified as a Variant of Uncertain Significance.

NM_005045.4(RELN):c.3919A>G (p.Ile1307Val)

Gene: RELN (reelin; minus strand). Cytogenetic location: 7q22.1.
Variant type: single nucleotide variant.
Coding change: c.3919A>G on transcript NM_005045.4 (MANE Select); coding-DNA position 3919, A replaced by G.
Protein change: p.Ile1307Val; replaces isoleucine 1307 with valine.
Molecular consequence: missense variant.
Genome position (GRCh38, 1-based): chr7:103,589,822, T>C on the plus strand (A>G on the coding strand, the complement: RELN is on the minus strand). VCF-style: chr7-103589822-T-C. GRCh37 (hg19) VCF-style: chr7-103230269-T-C.
Other names: c.3919A>G, p.Ile1307Val (NM_173054.3); short protein forms I1307V.
Identifiers: ClinVar variation 1900120 (VCV001900120.5), dbSNP rs2484785262, ClinGen allele CA368756416.